The following is an entry in ClinVar:

NM_000051.4(ATM):c.3196A>C (p.Lys1066Gln)

Gene: ATM (ATM serine/threonine kinase; plus strand). Cytogenetic location: 11q22.3.
Variant type: single nucleotide variant.
Coding change: c.3196A>C on transcript NM_000051.4 (MANE Select); coding-DNA position 3196, A replaced by C.
Protein change: p.Lys1066Gln; replaces lysine 1066 with glutamine.
Molecular consequence: missense variant.
Genome position (GRCh38, 1-based): chr11:108,272,764, A>C. VCF-style: chr11-108272764-A-C. GRCh37 (hg19) VCF-style: chr11-108143491-A-C.
Other names: c.3196A>C, p.Lys1066Gln (NM_001351834.2); short protein forms K1066Q.
Identifiers: ClinVar variation 485239 (VCV000485239.17), dbSNP rs1555086041, ClinGen allele CA382515718.

ClinVar aggregate classification (germline): Conflicting classifications of pathogenicity. Review status: criteria provided, conflicting classifications (1 of 4 stars). 5 submissions from 5 submitters: Uncertain significance (4); Likely benign (1). Last evaluated 2025-11-05.

Conditions:
Hereditary cancer-predisposing syndrome. Also called: Hereditary neoplastic syndrome; Neoplastic Syndromes, Hereditary; Tumor predisposition; Hereditary Cancer Syndrome. Identifiers: Orphanet 140162, MedGen C0027672, MeSH D009386, MONDO:0015356.
Familial cancer of breast. Also called: BREAST CANCER, FAMILIAL; Hereditary breast cancer; hereditary breast carcinoma. Identifiers: Orphanet 227535, MedGen C0346153, MONDO:0016419, OMIM 114480. Disease mechanism: loss of function.
Ataxia-telangiectasia syndrome (AT). Also called: LOUIS-BAR SYNDROME; Cerebello-oculocutaneous telangiectasia; Immunodeficiency with ataxia telangiectasia; AT, COMPLEMENTATION GROUP C; Ataxia-telangiectasia, complementation group D; ATAXIA-TELANGIECTASIA, COMPLEMENTATION GROUP A. Identifiers: Orphanet 100, MedGen C0004135, MONDO:0008840, OMIM 208900.

Allele frequency attached by ClinVar (database versions not stated): gnomAD below 0.00001 and 0.00001; gnomAD exomes below 0.00001; TOPMed 0.00001.
gnomAD v4.1: 2 of 1,613,982 alleles (0.00012%); highest among the groups gnomAD compares: South Asian, 0.0022%; no homozygotes.

Submissions (5):

Labcorp Genetics (formerly Invitae), Labcorp
Classification: Uncertain significance for Ataxia-telangiectasia syndrome. Last evaluated: 2025-11-05. Review status: criteria provided, single submitter. Criteria: Invitae Variant Classification Sherloc (09022015). Collection method: clinical testing. Allele origin: germline.
Comment: This sequence change replaces lysine, which is basic and polar, with glutamine, which is neutral and polar, at codon 1066 of the ATM protein (p.Lys1066Gln). This variant is not present in population databases (gnomAD no frequency). This variant has not been reported in the literature in individuals affected with ATM-related conditions. ClinVar contains an entry for this variant (Variation ID: 485239). Invitae Evidence Modeling of protein sequence and biophysical properties (such as structural, functional, and spatial information, amino acid conservation, physicochemical variation, residue mobility, and thermodynamic stability) indicates that this missense variant is not expected to disrupt ATM protein function with a negative predictive value of 95%. In summary, the available evidence is currently insufficient to determine the role of this variant in disease. Therefore, it has been classified as a Variant of Uncertain Significance.

Ambry Genetics
Classification: Likely benign for Hereditary cancer-predisposing syndrome. Last evaluated: 2024-11-20. Review status: criteria provided, single submitter. Criteria: Ambry Variant Classification Scheme 2023. Collection method: clinical testing. Allele origin: germline.

Color Diagnostics, LLC DBA Color Health
Classification: Uncertain significance for Hereditary cancer-predisposing syndrome. Last evaluated: 2024-03-07. Review status: criteria provided, single submitter. Criteria: ACMG Guidelines, 2015. Collection method: clinical testing. Allele origin: germline.
Comment: This missense variant replaces lysine with glutamine at codon 1066 of the ATM protein. Computational prediction suggests that this variant may not impact protein structure and function (internally defined REVEL score threshold <= 0.5, PMID: 27666373). To our knowledge, functional studies have not been reported for this variant. This variant has not been reported in individuals affected with hereditary cancer in the literature. This variant has not been identified in the general population by the Genome Aggregation Database (gnomAD). The available evidence is insufficient to determine the role of this variant in disease conclusively. Therefore, this variant is classified as a Variant of Uncertain Significance.

Neuberg Centre For Genomic Medicine, NCGM
Classification: Uncertain significance for Familial cancer of breast. Last evaluated: 2023-06-22. Review status: criteria provided, single submitter. Criteria: ACMG Guidelines, 2015. Collection method: clinical testing. Allele origin: germline. Inheritance: Autosomal dominant inheritance. Affected: yes.
Comment: The observed missense variant c.3196A>C(p.Lys1066Gln) in the ATM gene has not been reported previously as a pathogenic variant nor as a benign variant, to our knowledge. This variant is absent in the gnomAD Exomes. The amino acid Lys at position 1066 is changed to a Gln changing protein sequence and it might alter its composition and physico-chemical properties. Multiple lines of computational evidence (Polyphen - Damaging/Probably damaging/Benign, SIFT - Damaging/Tolerated and MutationTaster - Disease causing/Polymorphism) predict no damaging effect on protein structure and function for this variant. The residue is conserved by GERP++ and PhyloP across 100 vertebrates. For these reasons, this variant has been classified as Uncertain Significance.

GeneDx
Classification: Uncertain significance. Last evaluated: 2022-10-13. Review status: criteria provided, single submitter. Criteria: GeneDx Variant Classification Process June 2021. Collection method: clinical testing. Allele origin: germline. Affected: yes.
Comment: Not observed at significant frequency in large population cohorts (gnomAD); In silico analysis supports that this missense variant does not alter protein structure/function; Has not been previously published as pathogenic or benign to our knowledge; This variant is associated with the following publications: (PMID: 19781682)